The following is an entry in ClinVar:

ClinVar aggregate classification (germline): Likely pathogenic (1 of 4 stars; one submission).

Conditions:
Perrault syndrome 1 (PRLTS1). Also called: GONADAL DYSGENESIS, XX TYPE, WITH DEAFNESS; OVARIAN DYSGENESIS WITH SENSORINEURAL DEAFNESS. Identifiers: Orphanet 2855, Orphanet 642945, MedGen C4551721, MONDO:0009300, OMIM 233400.
Bifunctional peroxisomal enzyme deficiency (DBIF). Also called: DBP DEFICIENCY; PBFE DEFICIENCY; D-bifunctional protein deficiency. Identifiers: Orphanet 300, MedGen C0342870, MONDO:0009855, OMIM 261515. Disease mechanism: loss of function.

Submission:

Juno Genomics, Hangzhou Juno Genomics, Inc
Classification: Likely pathogenic for Bifunctional peroxisomal enzyme deficiency; Perrault syndrome 1. Review status: criteria provided, single submitter. Criteria: ACMG Guidelines, 2015. Collection method: clinical testing. Allele origin: germline.
Comment: Null variant in a gene where loss of function (LOF) is a known mechanism of disease.;Absent from controls (or at extremely low frequency if recessive) in Genome Aggregation Database.

NM_000414.4(HSD17B4):c.550A>T (p.Lys184Ter)

Gene: HSD17B4 (hydroxysteroid 17-beta dehydrogenase 4; plus strand). Cytogenetic location: 5q23.1.
Variant type: single nucleotide variant.
Coding change: c.550A>T on transcript NM_000414.4 (MANE Select); coding-DNA position 550, A replaced by T.
Protein change: p.Lys184Ter; replaces lysine 184 with a stop codon.
Molecular consequence: nonsense. On other transcripts: non-coding transcript variant (2).
Genome position (GRCh38, 1-based): chr5:119,478,949, A>T. VCF-style: chr5-119478949-A-T. GRCh37 (hg19) VCF-style: chr5-118814644-A-T.
Other names: c.625A>T, p.Lys209Ter (NM_001199291.3); c.496A>T, p.Lys166Ter (NM_001199292.2); c.478A>T, p.Lys160Ter (NM_001292027.2); c.130A>T, p.Lys44Ter (NM_001292028.2); c.541A>T, p.Lys181Ter (NM_001374497.1); c.550A>T, p.Lys184Ter (NM_001374498.1); c.223A>T, p.Lys75Ter (NM_001374499.1); c.109A>T, p.Lys37Ter (NM_001374500.1); and 1 more; short protein forms K184*, K166*, K160*, K209*, K37*, K47*, K181*, K44*.
Identifiers: ClinVar variation 5006816 (VCV005006816.2).